The following is an entry in ClinVar:

NM_207361.6(FREM2):c.5294G>A (p.Arg1765His)

Gene: FREM2 (FRAS1 related extracellular matrix 2; plus strand). Cytogenetic location: 13q13.3.
Variant type: single nucleotide variant.
Coding change: c.5294G>A on transcript NM_207361.6 (MANE Select); coding-DNA position 5294, G replaced by A.
Protein change: p.Arg1765His; replaces arginine 1765 with histidine.
Molecular consequence: missense variant.
Genome position (GRCh38, 1-based): chr13:38,764,334, G>A. VCF-style: chr13-38764334-G-A. GRCh37 (hg19) VCF-style: chr13-39338471-G-A.
Other names: c.5294G>A (NM_207361.4); short protein forms R1765H.
Identifiers: ClinVar variation 2140921 (VCV002140921.2), dbSNP rs572540483, ClinGen allele CA6955210.
Genomic context (GRCh38, chr13:38,764,334, plus strand): 5'-AATTTATGGCTTTAAATTTTTATTTTCAAGGTGGAAACAAGTTAACGTACCAGAATTTTC[G>A]TCTGAATTGGGCATGGATCTCCTTTGAAAAGGAATATTACCTGGTCAATGAGGACTCCAA-3'
Protein context (NP_997244.4, residues 1755-1775): GGNKLTYQNF[Arg1765His]LNWAWISFEK

ClinVar aggregate classification (germline): Uncertain significance. Review status: criteria provided, multiple submitters, no conflicts (2 of 4 stars). 2 submissions from 2 submitters: Uncertain significance (2). Last evaluated 2024-05-06.

Conditions:
Inborn genetic diseases. Identifiers: MedGen C0950123, MeSH D030342.

Allele frequency attached by ClinVar (database versions not stated): ExAC 0.00002; gnomAD 0.00003; TOPMed 0.00006.
gnomAD v4.1: 24 of 1,611,810 alleles (0.0015%); highest among the groups gnomAD compares: Admixed American, 0.01%; no homozygotes.

Submissions (2):

Ambry Genetics
Classification: Uncertain significance for Inborn genetic diseases. Last evaluated: 2024-05-06. Review status: criteria provided, single submitter. Criteria: Ambry Variant Classification Scheme 2023. Collection method: clinical testing. Allele origin: germline.

Labcorp Genetics (formerly Invitae), Labcorp
Classification: Uncertain significance. Last evaluated: 2021-12-24. Review status: criteria provided, single submitter. Criteria: Invitae Variant Classification Sherloc (09022015). Collection method: clinical testing. Allele origin: germline.
Comment: This sequence change replaces arginine, which is basic and polar, with histidine, which is basic and polar, at codon 1765 of the FREM2 protein (p.Arg1765His). This variant is present in population databases (rs572540483, gnomAD 0.01%). This variant has not been reported in the literature in individuals affected with FREM2-related conditions. Algorithms developed to predict the effect of missense changes on protein structure and function output the following: SIFT: "Tolerated"; PolyPhen-2: "Benign"; Align-GVGD: "Class C0". The histidine amino acid residue is found in multiple mammalian species, which suggests that this missense change does not adversely affect protein function. In summary, the available evidence is currently insufficient to determine the role of this variant in disease. Therefore, it has been classified as a Variant of Uncertain Significance.